The following is an entry in ClinVar:

NM_182961.4(SYNE1):c.14975A>G (p.Tyr4992Cys)

Gene: SYNE1 (spectrin repeat containing nuclear envelope protein 1; minus strand). Cytogenetic location: 6q25.2.
Variant type: single nucleotide variant.
Coding change: c.14975A>G on transcript NM_182961.4 (MANE Select); coding-DNA position 14975, A replaced by G.
Protein change: p.Tyr4992Cys; replaces tyrosine 4992 with cysteine.
Molecular consequence: missense variant.
Genome position (GRCh38, 1-based): chr6:152,326,614, T>C on the plus strand (A>G on the coding strand, the complement: SYNE1 is on the minus strand). VCF-style: chr6-152326614-T-C. GRCh37 (hg19) VCF-style: chr6-152647749-T-C.
Other names: c.14762A>G, p.Tyr4921Cys (NM_033071.5); c.14762A>G (NM_033071.3); short protein forms Y4921C, Y4992C.
Identifiers: ClinVar variation 1385446 (VCV001385446.8), dbSNP rs753602210, ClinGen allele CA4055894.

ClinVar aggregate classification (germline): Uncertain significance. Review status: criteria provided, multiple submitters, no conflicts (2 of 4 stars). 2 submissions from 2 submitters: Uncertain significance (2). Last evaluated 2023-02-06.

Conditions:
Emery-Dreifuss muscular dystrophy 4, autosomal dominant (EDMD4). Also called: EMERY-DREIFUSS MUSCULAR DYSTROPHY 4 WITH VARIABLE FEATURES. Identifiers: Orphanet 261, MedGen C2751807, MONDO:0013071, OMIM 612998.
Autosomal recessive ataxia, Beauce type. Also called: SYNE1-Related Autosomal Recessive Cerebellar Ataxia; Spinocerebellar ataxia, autosomal recessive 8; ATAXIA, RECESSIVE, OF BEAUCE; SYNE1 Deficiency. Identifiers: Orphanet 88644, MedGen C1853116, MONDO:0012549, OMIM 610743.

Allele frequency attached by ClinVar (database versions not stated): gnomAD exomes below 0.00001; TOPMed below 0.00001; ExAC 0.00001; gnomAD 0.00001.
gnomAD v4.1: 5 of 1,613,868 alleles (0.00031%); highest among the groups gnomAD compares: East Asian, 0.0022%; no homozygotes.

Submissions (2):

Revvity Omics, Revvity
Classification: Uncertain significance. Last evaluated: 2023-02-06. Review status: criteria provided, single submitter. Criteria: ACMG Guidelines, 2015. Collection method: clinical testing. Allele origin: germline.

Labcorp Genetics (formerly Invitae), Labcorp
Classification: Uncertain significance for Emery-Dreifuss muscular dystrophy 4, autosomal dominant; Autosomal recessive ataxia, Beauce type. Last evaluated: 2021-12-02. Review status: criteria provided, single submitter. Criteria: Invitae Variant Classification Sherloc (09022015). Collection method: clinical testing. Allele origin: germline.
Comment: This sequence change replaces tyrosine, which is neutral and polar, with cysteine, which is neutral and slightly polar, at codon 4921 of the SYNE1 protein (p.Tyr4921Cys). This variant is present in population databases (rs753602210, gnomAD 0.0009%). This variant has not been reported in the literature in individuals affected with SYNE1-related conditions. Algorithms developed to predict the effect of missense changes on protein structure and function (SIFT, PolyPhen-2, Align-GVGD) all suggest that this variant is likely to be disruptive. In summary, the available evidence is currently insufficient to determine the role of this variant in disease. Therefore, it has been classified as a Variant of Uncertain Significance.